The following is an entry in ClinVar:

ClinVar aggregate classification (germline): Uncertain significance (1 of 4 stars; one submission).

Submission:

Greenwood Genetic Center Diagnostic Laboratories, Greenwood Genetic Center
Classification: Uncertain significance. Last evaluated: 2026-06-10. Review status: criteria provided, single submitter. Criteria: ACMG Guidelines, 2015. Collection method: clinical testing. Allele origin: germline.
Comment: PM2, PM5_Supporting, PP2, PP3

NM_001330260.2(SCN8A):c.2669C>T (p.Ala890Val)

Gene: SCN8A (sodium voltage-gated channel alpha subunit 8; plus strand). Cytogenetic location: 12q13.13.
Variant type: single nucleotide variant.
Coding change: c.2669C>T on transcript NM_001330260.2 (MANE Select); coding-DNA position 2669, C replaced by T.
Protein change: p.Ala890Val; replaces alanine 890 with valine.
Molecular consequence: missense variant.
Genome position (GRCh38, 1-based): chr12:51,765,795, C>T. VCF-style: chr12-51765795-C-T. GRCh37 (hg19) VCF-style: chr12-52159579-C-T.
Other names: c.2669C>T, p.Ala890Val (NM_001177984.3, NM_001369788.1, NM_014191.4); short protein forms A890V.
Identifiers: ClinVar variation 4891142 (VCV004891142.1).